The following is an entry in ClinVar:

ClinVar aggregate classification (germline): Benign (1 of 4 stars; one submission).

Conditions:
Growth delay due to insulin-like growth factor I resistance. Also called: Somatomedin end-organ insensitivity to; Somatomedin-c resistance to; IGF-1 resistance; IGF-I RESISTANCE; Insulin-Like Growth Factor I Resistance. Identifiers: Orphanet 73273, MedGen C1849157, MONDO:0010038, OMIM 270450.

Allele frequency attached by ClinVar (database versions not stated): gnomAD exomes 0.00504; gnomAD 0.00533 and 0.00553; TOPMed 0.01008; 1000 Genomes Project 30x 0.01124; 1000 Genomes Project 0.01138.
gnomAD v4.1: 1,251 of 233,726 alleles (0.54%); highest among the groups gnomAD compares: Admixed American, 4%; 23 homozygotes.

Submission:

Illumina Laboratory Services, Illumina
Classification: Benign for Growth delay due to insulin-like growth factor I resistance. Last evaluated: 2018-01-12. Review status: criteria provided, single submitter. Criteria: ICSL Variant Classification Criteria 13 December 2019. Collection method: clinical testing. Allele origin: germline.
Comment: This variant was observed in the ICSL laboratory as part of a predisposition screen in an ostensibly healthy population. It had not been previously curated by ICSL or reported in the Human Gene Mutation Database (HGMD: prior to June 1st, 2018), and was therefore a candidate for classification through an automated scoring system. Utilizing variant allele frequency, disease prevalence and penetrance estimates, and inheritance mode, an automated score was calculated to assess if this variant is too frequent to cause the disease. Based on the score and internal cut-off values, a variant classified as benign is not then subjected to further curation. The score for this variant resulted in a classification of benign for this disease.

NM_000875.5(IGF1R):c.*5458A>G

Gene: IGF1R (insulin like growth factor 1 receptor; plus strand). Cytogenetic location: 15q26.3.
Variant type: single nucleotide variant.
Coding change: c.*5458A>G on transcript NM_000875.5 (MANE Select); 5458 bases downstream of the stop codon, A replaced by G.
Molecular consequence: 3 prime UTR variant.
Genome position (GRCh38, 1-based): chr15:98,962,900, A>G. VCF-style: chr15-98962900-A-G. GRCh37 (hg19) VCF-style: chr15-99506129-A-G.
Other names: c.*5458A>G (NM_001291858.2).
Identifiers: ClinVar variation 317605 (VCV000317605.5), dbSNP rs117503139, ClinGen allele CA10642780.
Genomic context (GRCh38, chr15:98,962,900, plus strand): 5'-TAAGGCGAATTGTTCAAGAACACAAACTACATCGCACTCGTCAGTTGTCAGTTCTGGGGC[A>G]TGACTTTAGCGTTTTGTTTCTGCGAGAACATAACGATCACTCATTTTTATGTCCCACGTG-3'